The following is an entry in ClinVar:

ClinVar aggregate classification (germline): Uncertain significance. Review status: criteria provided, multiple submitters, no conflicts (2 of 4 stars). 5 submissions from 5 submitters: Uncertain significance (5). Last evaluated 2025-06-05.

Conditions:
Gnathodiaphyseal dysplasia (GDD). Also called: GNATHODIAPHYSEAL SCLEROSIS; OSTEOGENESIS IMPERFECTA WITH UNUSUAL SKELETAL LESIONS. Identifiers: Orphanet 53697, MedGen C1833736, MONDO:0008151, OMIM 166260.
Autosomal recessive limb-girdle muscular dystrophy type 2L (LGMDR12). Also called: MUSCULAR DYSTROPHY, LIMB-GIRDLE, AUTOSOMAL RECESSIVE 12; Limb-girdle muscular dystrophy, type 2L; Limb-Girdle Muscular Dystrophy R12 Anoctamin-5-Related (LGMD-R12). Identifiers: Orphanet 206549, MedGen C1969785, MONDO:0012652, OMIM 611307.

Allele frequency attached by ClinVar (database versions not stated): gnomAD exomes below 0.00001 and 0.00003; gnomAD 0.00002; TOPMed 0.00003.
gnomAD v4.1: 47 of 1,612,732 alleles (0.0029%); highest among the groups gnomAD compares: Non-Finnish European, 0.0036%; no homozygotes.

Submissions (5):

Labcorp Genetics (formerly Invitae), Labcorp
Classification: Uncertain significance for Autosomal recessive limb-girdle muscular dystrophy type 2L; Gnathodiaphyseal dysplasia. Last evaluated: 2025-06-05. Review status: criteria provided, single submitter. Criteria: Invitae Variant Classification Sherloc (09022015). Collection method: clinical testing. Allele origin: germline.
Comment: This sequence change replaces isoleucine, which is neutral and non-polar, with leucine, which is neutral and non-polar, at codon 875 of the ANO5 protein (p.Ile875Leu). This variant is present in population databases (no rsID available, gnomAD 0.0008%). This missense change has been observed in individual(s) with limb-girdle muscular dystrophy (PMID: 30564623). ClinVar contains an entry for this variant (Variation ID: 429404). Invitae Evidence Modeling of protein sequence and biophysical properties (such as structural, functional, and spatial information, amino acid conservation, physicochemical variation, residue mobility, and thermodynamic stability) has been performed for this missense variant. However, the output from this modeling did not meet the statistical confidence thresholds required to predict the impact of this variant on ANO5 protein function. In summary, the available evidence is currently insufficient to determine the role of this variant in disease. Therefore, it has been classified as a Variant of Uncertain Significance.

Revvity Omics, Revvity
Classification: Uncertain significance. Last evaluated: 2024-10-17. Review status: criteria provided, single submitter. Criteria: ACMG Guidelines, 2015. Collection method: clinical testing. Allele origin: germline.

Blueprint Genetics
Classification: Uncertain significance. Last evaluated: 2018-01-24. Review status: criteria provided, single submitter. Criteria: ACMG Guidelines, 2015. Collection method: clinical testing. Allele origin: germline.

GeneDx
Classification: Uncertain significance. Last evaluated: 2017-05-05. Review status: criteria provided, single submitter. Criteria: GeneDx Variant Classification (06012015). Collection method: clinical testing. Allele origin: germline. Affected: yes.
Comment: A variant of uncertain significance has been identified in the ANO5 gene. The I875L variant has not been published as a pathogenic variant, nor has it been reported as a benign variant to our knowledge. The I875L variant is not observed in large population cohorts (Lek et al., 2016; 1000 Genomes Consortium et al., 2015; Exome Variant Server). This substitution occurs at a position that is conserved in mammals. However, the I875L variant is a conservative amino acid substitution, which is not likely to impact secondary protein structure as these residues share similar properties. In silico analysis is inconsistent in its predictions as to whether or not the variant is damaging to the protein structure/function. Therefore, based on the currently available information, it is unclear whether this variant is a pathogenic variant or a rare benign variant.

Eurofins Ntd Llc (ga)
Classification: Uncertain significance. Last evaluated: 2016-12-01. Review status: criteria provided, single submitter. Criteria: EGL Classification Definitions 2015. Collection method: clinical testing. Allele origin: germline. Observed: 1 variant allele, 1 heterozygote.

Literature cited by the submitters: PubMed 30564623 (cited by Labcorp Genetics (formerly Invitae), Labcorp).

NM_213599.3(ANO5):c.2623A>C (p.Ile875Leu)

Gene: ANO5 (anoctamin 5; plus strand). Cytogenetic location: 11p14.3.
Variant type: single nucleotide variant.
Coding change: c.2623A>C on transcript NM_213599.3 (MANE Select); coding-DNA position 2623, A replaced by C.
Protein change: p.Ile875Leu; replaces isoleucine 875 with leucine.
Molecular consequence: missense variant.
Genome position (GRCh38, 1-based): chr11:22,279,646, A>C. VCF-style: chr11-22279646-A-C. GRCh37 (hg19) VCF-style: chr11-22301192-A-C.
Other names: c.2620A>C, p.Ile874Leu (NM_001142649.2); short protein forms I875L, I874L.
Identifiers: ClinVar variation 429404 (VCV000429404.12), dbSNP rs1131691364, ClinGen allele CA379925075.